The following is an entry in ClinVar:

NM_006739.4(MCM5):c.497C>T (p.Thr166Ile)

Gene: MCM5 (minichromosome maintenance complex component 5; plus strand). Cytogenetic location: 22q12.3.
Variant type: single nucleotide variant.
Coding change: c.497C>T on transcript NM_006739.4 (MANE Select); coding-DNA position 497, C replaced by T.
Protein change: p.Thr166Ile; replaces threonine 166 with isoleucine.
Molecular consequence: missense variant.
Genome position (GRCh38, 1-based): chr22:35,406,626, C>T. VCF-style: chr22-35406626-C-T. GRCh37 (hg19) VCF-style: chr22-35802619-C-T.
Other names: c.497C>T (NM_006739.3); short protein forms T166I.
Identifiers: ClinVar variation 1480982 (VCV001480982.9), dbSNP rs779196875, ClinGen allele CA10205054.

ClinVar aggregate classification (germline): Uncertain significance. Review status: criteria provided, multiple submitters, no conflicts (2 of 4 stars). 2 submissions from 2 submitters: Uncertain significance (2). Last evaluated 2025-12-10.

Allele frequency attached by ClinVar (database versions not stated): gnomAD exomes 0.00001 and 0.00004; ExAC 0.00003; gnomAD 0.00003 and 0.00004; TOPMed 0.00003.
gnomAD v4.1: 19 of 1,613,274 alleles (0.0012%); highest among the groups gnomAD compares: East Asian, 0.022%; no homozygotes.

Submissions (2):

Ambry Genetics
Classification: Uncertain significance. Last evaluated: 2025-12-10. Review status: criteria provided, single submitter. Criteria: Ambry Variant Classification Scheme 2023. Collection method: clinical testing. Allele origin: germline.

Labcorp Genetics (formerly Invitae), Labcorp
Classification: Uncertain significance. Last evaluated: 2024-10-15. Review status: criteria provided, single submitter. Criteria: Invitae Variant Classification Sherloc (09022015). Collection method: clinical testing. Allele origin: germline.
Comment: This sequence change replaces threonine, which is neutral and polar, with isoleucine, which is neutral and non-polar, at codon 166 of the MCM5 protein (p.Thr166Ile). This variant is present in population databases (rs779196875, gnomAD 0.04%). This variant has not been reported in the literature in individuals affected with MCM5-related conditions. ClinVar contains an entry for this variant (Variation ID: 1480982). Invitae Evidence Modeling of protein sequence and biophysical properties (such as structural, functional, and spatial information, amino acid conservation, physicochemical variation, residue mobility, and thermodynamic stability) indicates that this missense variant is not expected to disrupt MCM5 protein function with a negative predictive value of 80%. In summary, the available evidence is currently insufficient to determine the role of this variant in disease. Therefore, it has been classified as a Variant of Uncertain Significance.